The following is an entry in ClinVar:

NM_000215.4(JAK3):c.610_611delinsAA (p.Gly204Asn)

Gene: JAK3 (Janus kinase 3; minus strand). Cytogenetic location: 19p13.11.
Variant type: Indel.
Coding change: c.610_611delinsAA on transcript NM_000215.4 (MANE Select); coding-DNA positions 610 to 611, GG replaced by AA.
Protein change: p.Gly204Asn; replaces glycine 204 with asparagine.
Molecular consequence: missense variant.
Genome position (GRCh38, 1-based): chr19:17,842,566-17,842,567, CC replaced by TT on the plus strand (GG replaced by AA on the coding strand, the reverse complement: JAK3 is on the minus strand). VCF-style: chr19-17842566-CC-TT. GRCh37 (hg19) VCF-style: chr19-17953375-CC-TT.
Other names: short protein forms G204N.
Identifiers: ClinVar variation 848295 (VCV000848295.5), dbSNP rs2094242511, ClinGen allele CA916082448.
Genomic context (GRCh38, chr19:17,842,566, plus strand): 5'-ACGCGGCGCAGGGCTCTGCGCACCGTCCTCCGAATACGCCTCCGCGTCACGAAGCTCAGG[CC>TT]CTGGATCAGGTCGCGCAGGCTTGGGGGTAGGCAGGCCTTGTAGCTGCAGGGGTTGGAGGG-3'
Protein context (NP_000206.2, residues 194-214): LPPSLRDLIQ[Gly204Asn]LSFVTRRRIR

ClinVar aggregate classification (germline): Uncertain significance (1 of 4 stars; one submission).

Conditions:
T-B+ severe combined immunodeficiency due to JAK3 deficiency. Also called: SCID, autosomal recessive, T-negative/B-positive type; SCID, T CELL-NEGATIVE, B CELL-POSITIVE, NK CELL-NEGATIVE. Identifiers: Orphanet 35078, MedGen C1833275, MONDO:0010938, OMIM 600802.

Submission:

Labcorp Genetics (formerly Invitae), Labcorp
Classification: Uncertain significance for T-B+ severe combined immunodeficiency due to JAK3 deficiency. Last evaluated: 2022-01-28. Review status: criteria provided, single submitter. Criteria: Invitae Variant Classification Sherloc (09022015). Collection method: clinical testing. Allele origin: germline.
Comment: This sequence change replaces glycine, which is neutral and non-polar, with asparagine, which is neutral and polar, at codon 204 of the JAK3 protein (p.Gly204Asn). Information on the frequency of this variant in the gnomAD database is not available, as this variant may be reported differently in the database. This variant has not been reported in the literature in individuals affected with JAK3-related conditions. ClinVar contains an entry for this variant (Variation ID: 848295). Algorithms developed to predict the effect of missense changes on protein structure and function are either unavailable or do not agree on the potential impact of this missense change (SIFT: "Not Available"; PolyPhen-2: "Benign"; Align-GVGD: "Not Available"). Algorithms developed to predict the effect of sequence changes on RNA splicing suggest that this variant may create or strengthen a splice site. In summary, the available evidence is currently insufficient to determine the role of this variant in disease. Therefore, it has been classified as a Variant of Uncertain Significance.